The following is an entry in ClinVar:

NM_005228.5(EGFR):c.3397_3403del (p.Val1133fs)

Gene: EGFR (epidermal growth factor receptor; plus strand). Cytogenetic location: 7p11.2.
Variant type: Deletion.
Coding change: c.3397_3403del on transcript NM_005228.5 (MANE Select); coding-DNA positions 3397 to 3403, 7 bases deleted (GTGGGCA; older notation c.3397_3403delGTGGGCA).
Protein change: p.Val1133fs; shifts the reading frame from valine 1133.
Molecular consequence: frameshift variant.
Genome position (GRCh38, 1-based): chr7:55,205,381-55,205,387, GTGGGCA deleted; deleting any 7 consecutive bases within chr7:55,205,378-55,205,387 gives the same sequence; the c. name uses the placement nearest the transcript's 3' end. VCF-style (leftmost placement, unchanged base first): chr7-55205377-TGCAGTGG-T. GRCh37 (hg19) VCF-style: chr7-55273070-TGCAGTGG-T.
Other names: c.3262_3268del, p.Val1088fs (NM_001346899.2); c.3238_3244del, p.Val1080fs (NM_001346900.2); c.2596_2602del, p.Val866fs (NM_001346941.2); short protein forms V1133fs, V1088fs, V1080fs, V866fs.
Identifiers: ClinVar variation 4735596 (VCV004735596.1).
Genomic context (GRCh38, chr7:55,205,377, plus strand): 5'-CAATCAGCCTCTGAACCCCGCGCCCAGCAGAGACCCACACTACCAGGACCCCCACAGCAC[TGCAGTGG>T]GCAACCCCGAGTATCTCAACACTGTCCAGCCCACCTGTGTCAACAGCACATTCGACAGCC-3'

ClinVar aggregate classification (germline): Uncertain significance (1 of 4 stars; one submission).

Conditions:
EGFR-related lung cancer (EGFR). Identifiers: MedGen CN130014.

Submission:

Labcorp Genetics (formerly Invitae), Labcorp
Classification: Uncertain significance for EGFR-related lung cancer. Last evaluated: 2026-01-18. Review status: criteria provided, single submitter. Criteria: Invitae Variant Classification Sherloc (09022015). Collection method: clinical testing. Allele origin: germline.
Comment: This sequence change creates a premature translational stop signal (p.Val1133Thrfs*64) in the EGFR gene. While this is not anticipated to result in nonsense mediated decay, it is expected to disrupt the last 78 amino acid(s) of the EGFR protein. This variant is not present in population databases (gnomAD no frequency). This variant has not been reported in the literature in individuals affected with EGFR-related conditions. Experimental studies and prediction algorithms are not available or were not evaluated, and the functional significance of this variant is currently unknown. In summary, the available evidence is currently insufficient to determine the role of this variant in disease. Therefore, it has been classified as a Variant of Uncertain Significance.